The following is an entry in ClinVar:

ClinVar aggregate classification (germline): Uncertain significance (1 of 4 stars; one submission).

Submission:

Labcorp Genetics (formerly Invitae), Labcorp
Classification: Uncertain significance. Last evaluated: 2024-04-11. Review status: criteria provided, single submitter. Criteria: Invitae Variant Classification Sherloc (09022015). Collection method: clinical testing. Allele origin: germline.
Comment: This sequence change replaces glutamic acid, which is acidic and polar, with glycine, which is neutral and non-polar, at codon 112 of the HOXB13 protein (p.Glu112Gly). This variant is not present in population databases (gnomAD no frequency). This variant has not been reported in the literature in individuals affected with HOXB13-related conditions. Advanced modeling of protein sequence and biophysical properties (such as structural, functional, and spatial information, amino acid conservation, physicochemical variation, residue mobility, and thermodynamic stability) performed at Invitae indicates that this missense variant is not expected to disrupt HOXB13 protein function with a negative predictive value of 80%. In summary, the available evidence is currently insufficient to determine the role of this variant in disease. Therefore, it has been classified as a Variant of Uncertain Significance.

NM_006361.6(HOXB13):c.335A>G (p.Glu112Gly)

Gene: HOXB13 (homeobox B13; minus strand). Cytogenetic location: 17q21.32.
Variant type: single nucleotide variant.
Coding change: c.335A>G on transcript NM_006361.6 (MANE Select); coding-DNA position 335, A replaced by G.
Protein change: p.Glu112Gly; replaces glutamic acid 112 with glycine.
Molecular consequence: missense variant.
Genome position (GRCh38, 1-based): chr17:48,728,259, T>C on the plus strand (A>G on the coding strand, the complement: HOXB13 is on the minus strand). VCF-style: chr17-48728259-T-C. GRCh37 (hg19) VCF-style: chr17-46805621-T-C.
Other names: short protein forms E112G.
Identifiers: ClinVar variation 3649571 (VCV003649571.2).